The following is an entry in ClinVar:

ClinVar aggregate classification (germline): Uncertain significance (1 of 4 stars; one submission).

Conditions:
Coffin-Siris syndrome 12. Identifiers: MedGen C5444111, MONDO:0025699, OMIM 619325.

gnomAD v4.1: 1 of 1,547,268 alleles (0.000065%); highest among the groups gnomAD compares: Non-Finnish European, 0.000087%; no homozygotes.

Submission:

Clinical Genomics Laboratory, Washington University in St. Louis
Classification: Uncertain significance for Coffin-Siris syndrome 12. Last evaluated: 2025-06-06. Review status: criteria provided, single submitter. Criteria: ACMG Guidelines, 2015. Collection method: clinical testing. Allele origin: germline.
Comment: The BICRA c.1351C>T (p.Leu451Phe) variant, to our knowledge, has not been reported in the medical literature. This variant is only observed on 1/1,547,268 alleles in the general population (gnomAD v4.1.0), indicating it is not a common variant. Computational predictors suggest that the variant does not impact BICRA function. Due to limited information, and based on ACMG/AMP guidelines for variant interpretation (Richards S et al., PMID: 25741868), the clinical significance of this variant is uncertain at this time.

NM_001394372.1(BICRA):c.1351C>T (p.Leu451Phe)

Gene: BICRA (BRD4 interacting chromatin remodeling complex associated protein; plus strand). Cytogenetic location: 19q13.33.
Variant type: single nucleotide variant.
Coding change: c.1351C>T on transcript NM_001394372.1 (MANE Select); coding-DNA position 1351, C replaced by T.
Protein change: p.Leu451Phe; replaces leucine 451 with phenylalanine.
Molecular consequence: missense variant.
Genome position (GRCh38, 1-based): chr19:47,680,521, C>T. VCF-style: chr19-47680521-C-T. GRCh37 (hg19) VCF-style: chr19-48183778-C-T.
Other names: c.1351C>T, p.Leu451Phe (NM_015711.3); short protein forms L451F.
Identifiers: ClinVar variation 4279798 (VCV004279798.1).
Genomic context (GRCh38, chr19:47,680,521, plus strand): 5'-ACCACCGGAGCGGCCCCGCCGCAGCCCCCCGGGGCCCTGAGCAAACCCATGAGCGTCCAC[C>T]TCCTGAACCAAGGCAGCAGCATCGTCATCCCCGCCCAGCACATGCTGCCGGGCCAGAACC-3'
Protein context (NP_001381301.1, residues 441-461): GALSKPMSVH[Leu451Phe]LNQGSSIVIP